The following is an entry in ClinVar:

NM_181836.6(TMED7):c.97G>A (p.Gly33Ser)

Genes: TMED7 (transmembrane p24 trafficking protein 7; minus strand), TMED7-TICAM2 (TMED7-TICAM2 readthrough; minus strand), LOC129994401 (ATAC-STARR-seq lymphoblastoid silent region 16254; plus strand). Cytogenetic location: 5q22.3.
Variant type: single nucleotide variant.
Coding change: c.97G>A on transcript NM_181836.6 (MANE Select); coding-DNA position 97, G replaced by A.
Protein change: p.Gly33Ser; replaces glycine 33 with serine.
Molecular consequence: missense variant.
Genome position (GRCh38, 1-based): chr5:115,625,696, C>T on the plus strand (G>A on the coding strand, the complement: TMED7 is on the minus strand). VCF-style: chr5-115625696-C-T. GRCh37 (hg19) VCF-style: chr5-114961393-C-T.
Other names: c.97G>A, p.Gly33Ser (NM_001164468.4, NM_001164469.4); short protein forms G33S.
Identifiers: ClinVar variation 2824129 (VCV002824129.3), dbSNP rs2531909474, ClinGen allele CA360714309.

ClinVar aggregate classification (germline): Uncertain significance (1 of 4 stars; one submission).

Submission:

Labcorp Genetics (formerly Invitae), Labcorp
Classification: Uncertain significance. Last evaluated: 2022-12-25. Review status: criteria provided, single submitter. Criteria: Invitae Variant Classification Sherloc (09022015). Collection method: clinical testing. Allele origin: germline.
Comment: In summary, the available evidence is currently insufficient to determine the role of this variant in disease. Therefore, it has been classified as a Variant of Uncertain Significance. Algorithms developed to predict the effect of missense changes on protein structure and function output the following: SIFT: "Tolerated"; PolyPhen-2: "Benign"; Align-GVGD: "Class C0". The serine amino acid residue is found in multiple mammalian species, which suggests that this missense change does not adversely affect protein function. This variant has not been reported in the literature in individuals affected with TMED7-related conditions. This sequence change replaces glycine, which is neutral and non-polar, with serine, which is neutral and polar, at codon 33 of the TMED7 protein (p.Gly33Ser). This variant is not present in population databases (gnomAD no frequency).